The following is an entry in ClinVar:

NM_001330260.2(SCN8A):c.4134G>T (p.Lys1378Asn)

Gene: SCN8A (sodium voltage-gated channel alpha subunit 8; plus strand). Cytogenetic location: 12q13.13.
Variant type: single nucleotide variant.
Coding change: c.4134G>T on transcript NM_001330260.2 (MANE Select); coding-DNA position 4134, G replaced by T.
Protein change: p.Lys1378Asn; replaces lysine 1378 with asparagine.
Molecular consequence: missense variant.
Genome position (GRCh38, 1-based): chr12:51,786,733, G>T. VCF-style: chr12-51786733-G-T. GRCh37 (hg19) VCF-style: chr12-52180517-G-T.
Other names: c.4011G>T, p.Lys1337Asn (NM_001177984.3, NM_001369788.1); c.4134G>T, p.Lys1378Asn (NM_014191.4); short protein forms K1378N, K1337N.
Identifiers: ClinVar variation 2198499 (VCV002198499.4), dbSNP rs752899010, ClinGen allele CA6571751.

ClinVar aggregate classification (germline): Uncertain significance (1 of 4 stars; one submission).

Conditions:
Early-infantile DEE. Also called: Early infantile epileptic encephalopathy; Ohtahara syndrome; Early infantile epileptic encephalopathy with suppression bursts. Identifiers: Orphanet 1934, MedGen C0393706, MONDO:0800491.

Allele frequency attached by ClinVar (database versions not stated): gnomAD exomes below 0.00001; TOPMed below 0.00001 and 0.00001; ExAC 0.00001; gnomAD 0.00001 and 0.00003.
gnomAD v4.1: 5 of 1,613,884 alleles (0.00031%); highest among the groups gnomAD compares: Non-Finnish European, 0.00042%; no homozygotes.

Submission:

Labcorp Genetics (formerly Invitae), Labcorp
Classification: Uncertain significance for Early-infantile DEE. Last evaluated: 2025-11-12. Review status: criteria provided, single submitter. Criteria: Invitae Variant Classification Sherloc (09022015). Collection method: clinical testing. Allele origin: germline.
Comment: This sequence change replaces lysine, which is basic and polar, with asparagine, which is neutral and polar, at codon 1378 of the SCN8A protein (p.Lys1378Asn). This variant is present in population databases (rs752899010, gnomAD 0.002%). This variant has not been reported in the literature in individuals affected with SCN8A-related conditions. ClinVar contains an entry for this variant (Variation ID: 2198499). Invitae Evidence Modeling of protein sequence and biophysical properties (such as structural, functional, and spatial information, amino acid conservation, physicochemical variation, residue mobility, and thermodynamic stability) indicates that this missense variant is not expected to disrupt SCN8A protein function with a negative predictive value of 95%. In summary, the available evidence is currently insufficient to determine the role of this variant in disease. Therefore, it has been classified as a Variant of Uncertain Significance.